The following is an entry in ClinVar:

ClinVar aggregate classification (germline): Uncertain significance (1 of 4 stars; one submission).

Allele frequency attached by ClinVar (database versions not stated): gnomAD exomes below 0.00001; TOPMed below 0.00001; ExAC 0.00001; gnomAD 0.00001.

Submission:

Labcorp Genetics (formerly Invitae), Labcorp
Classification: Uncertain significance. Last evaluated: 2022-10-07. Review status: criteria provided, single submitter. Criteria: Invitae Variant Classification Sherloc (09022015). Collection method: clinical testing. Allele origin: germline.
Comment: This variant has not been reported in the literature in individuals affected with HMCN1-related conditions. This variant, c.4796_4798del, is a complex sequence change that results in the deletion of 2 and insertion of 1 amino acid(s) in the HMCN1 protein (p.Lys1599_Gly1600delinsArg). This variant is present in population databases (rs770818573, gnomAD 0.0009%). Experimental studies and prediction algorithms are not available or were not evaluated, and the functional significance of this variant is currently unknown. Algorithms developed to predict the effect of sequence changes on RNA splicing suggest that this variant may create or strengthen a splice site. In summary, the available evidence is currently insufficient to determine the role of this variant in disease. Therefore, it has been classified as a Variant of Uncertain Significance.

NM_031935.3(HMCN1):c.4796_4798del (p.Lys1599_Gly1600delinsArg)

Gene: HMCN1 (hemicentin 1; plus strand). Cytogenetic location: 1q31.1.
Variant type: Deletion.
Coding change: c.4796_4798del on transcript NM_031935.3 (MANE Select); coding-DNA positions 4796 to 4798, 3 bases deleted (AAG; older notation c.4796_4798delAAG).
Protein change: p.Lys1599_Gly1600delinsArg.
Molecular consequence: inframe indel.
Genome position (GRCh38, 1-based): chr1:186,015,324-186,015,326, AAG deleted. VCF-style (leftmost placement, unchanged base first): chr1-186015323-AAAG-A. GRCh37 (hg19) VCF-style: chr1-185984455-AAAG-A.
Identifiers: ClinVar variation 2807919 (VCV002807919.3), dbSNP rs770818573, ClinGen allele CA1292102.